The following is an entry in ClinVar:

NM_001126108.2(SLC12A3):c.2660G>A (p.Arg887Gln)

Gene: SLC12A3 (solute carrier family 12 member 3; plus strand). Cytogenetic location: 16q13.
Variant type: single nucleotide variant.
Coding change: c.2660G>A on transcript NM_001126108.2 (MANE Select); coding-DNA position 2660, G replaced by A.
Protein change: p.Arg887Gln; replaces arginine 887 with glutamine.
Molecular consequence: missense variant.
Genome position (GRCh38, 1-based): chr16:56,899,556, G>A. VCF-style: chr16-56899556-G-A. GRCh37 (hg19) VCF-style: chr16-56933468-G-A.
Other names: c.2687G>A, p.Arg896Gln (NM_000339.3); c.2684G>A, p.Arg895Gln (NM_001126107.2); short protein forms R887Q, R896Q, R895Q.
Identifiers: ClinVar variation 805469 (VCV000805469.35), dbSNP rs369360334, ClinGen allele CA8070010.

ClinVar aggregate classification (germline): Pathogenic/Likely pathogenic. Review status: criteria provided, multiple submitters, no conflicts (2 of 4 stars). 9 submissions from 9 submitters: Pathogenic (5); Likely pathogenic (4). Last evaluated 2025-09-23.

Conditions:
Familial hypokalemia-hypomagnesemia (GTLMNS). Also called: POTASSIUM AND MAGNESIUM DEPLETION; HYPOMAGNESEMIA-HYPOKALEMIA, PRIMARY RENOTUBULAR, WITH HYPOCALCIURIA; gitelman syndrome. Identifiers: Orphanet 358, MedGen C0268450, MONDO:0009904, OMIM 263800.

Allele frequency attached by ClinVar (database versions not stated): gnomAD 0.00001; gnomAD exomes 0.00002 and 0.00004; TOPMed 0.00002; ExAC 0.00005; ESP Exome Variant Server 0.00015.
gnomAD v4.1: 23 of 1,613,890 alleles (0.0014%); highest among the groups gnomAD compares: African/African-American, 0.004%; no homozygotes.

Submissions (9):

Natera, Inc.
Classification: Pathogenic for Gitelman syndrome. Last evaluated: 2025-09-23. Review status: criteria provided, single submitter. Criteria: Natera Variant Classification Schema (03/2026). Collection method: clinical testing. Allele origin: germline.
Comment: The c.2687G>A variant in SLC12A3 is a missense variant predicted to cause substitution of arginine to glutamine at amino acid 896. This variant is rare in the general population with a frequency below the threshold expected for the associated phenotype(s). This variant has been observed in one or more individuals affected with the associated recessive disease, as either homozygous or compound heterozygous with a second variant (PMID: 22009145, 21415153). Computational prediction algorithms indicate this variant is likely to affect gene or protein function. Given the available evidence, this variant is classified as Pathogenic.

Center for Genomic Medicine, Rigshospitalet, Copenhagen University Hospital
Classification: Likely pathogenic. Last evaluated: 2025-03-04. Review status: criteria provided, single submitter. Criteria: ACMG Guidelines, 2015. Collection method: clinical testing. Allele origin: germline.

CeGaT Center for Human Genetics Tuebingen
Classification: Pathogenic. Last evaluated: 2024-11-01. Review status: criteria provided, single submitter. Criteria: CeGaT Center For Human Genetics Tuebingen Variant Classification Criteria Version 2. Collection method: clinical testing. Allele origin: germline. Affected: yes. Observed: 1 variant allele.
Comment: SLC12A3: PM3:Very Strong, PM2, PP4

Labcorp Genetics (formerly Invitae), Labcorp
Classification: Pathogenic. Last evaluated: 2024-05-01. Review status: criteria provided, single submitter. Criteria: Invitae Variant Classification Sherloc (09022015). Collection method: clinical testing. Allele origin: germline.
Comment: This sequence change replaces arginine, which is basic and polar, with glutamine, which is neutral and polar, at codon 896 of the SLC12A3 protein (p.Arg896Gln). This variant is present in population databases (rs369360334, gnomAD 0.008%). This missense change has been observed in individuals with Gitelman syndrome (PMID: 12772080, 18391953, 21415153, 22009145, 24830959, 27386324). This variant is also known as p.Arg887Gln. ClinVar contains an entry for this variant (Variation ID: 805469). Advanced modeling of protein sequence and biophysical properties (such as structural, functional, and spatial information, amino acid conservation, physicochemical variation, residue mobility, and thermodynamic stability) performed at Invitae indicates that this missense variant is expected to disrupt SLC12A3 protein function with a positive predictive value of 95%. For these reasons, this variant has been classified as Pathogenic.

Fulgent Genetics
Classification: Pathogenic for Familial hypokalemia-hypomagnesemia. Last evaluated: 2024-04-24. Review status: criteria provided, single submitter. Criteria: ACMG Guidelines, 2015. Collection method: clinical testing. Allele origin: germline.

Department of Pathology and Laboratory Medicine, Sinai Health System
Classification: Likely pathogenic for Familial hypokalemia-hypomagnesemia. Last evaluated: 2023-05-07. Review status: criteria provided, single submitter. Criteria: ACMG Guidelines, 2015. Collection method: research. Allele origin: germline.

European Hospital Georges Pompidou Genetics Department, Assistance Publique - Hôpitaux de Paris AP-HP
Classification: Pathogenic for Familial hypokalemia-hypomagnesemia. Last evaluated: 2022-04-27. Review status: criteria provided, single submitter. Criteria: ACMG Guidelines, 2015. Collection method: clinical testing. Allele origin: germline. Affected: yes.
Comment: ACMG criteria used:PS4, PM1, PM2, PP3, PP5

Athena Diagnostics
Classification: Likely pathogenic. Last evaluated: 2018-11-21. Review status: criteria provided, single submitter. Criteria: Athena Diagnostics Criteria. Collection method: clinical testing. Allele origin: germline.
Comment: The best available variant frequency is uninformative because it is below the disease allele frequency. Found in at least one symptomatic patient. Predicted to have a damaging effect on the protein. Occurs in three or more cases with a recessive pathogenic variant in the same gene.

Juno Genomics, Hangzhou Juno Genomics, Inc
Classification: Likely pathogenic for Familial hypokalemia-hypomagnesemia. Review status: criteria provided, single submitter. Criteria: ACMG Guidelines, 2015. Collection method: clinical testing. Allele origin: germline.
Comment: Absent from controls (or at extremely low frequency if recessive) in Genome Aggregation Database.;Multiple lines of computational evidence support a deleterious effect on the gene or gene product.;For recessive disorders, detected in trans with a pathogenic variant.;Patient's phenotype or family history is highly specific for a disease with a single genetic etiology.

Literature cited by the submitters: PubMed 22009145 (cited by 4 submitters); PubMed 21415153 (cited by 3 submitters); PubMed 31398183 (cited by Center for Genomic Medicine, Rigshospitalet, Copenhagen University Hospital); PubMed 27386324 (cited by 3 submitters); PubMed 24830959 (cited by Center for Genomic Medicine, Rigshospitalet, Copenhagen University Hospital and Labcorp Genetics (formerly Invitae), Labcorp); PubMed 33348466 (cited by Center for Genomic Medicine, Rigshospitalet, Copenhagen University Hospital); PubMed 12772080 (cited by Labcorp Genetics (formerly Invitae), Labcorp and Athena Diagnostics); PubMed 18391953 (cited by Labcorp Genetics (formerly Invitae), Labcorp and Athena Diagnostics); PubMed 21631963 (cited by Athena Diagnostics).